The following is an entry in ClinVar:

NM_000642.3(AGL):c.2950G>A (p.Val984Ile)

Gene: AGL (amylo-alpha-1,6-glucosidase and 4-alpha-glucanotransferase; plus strand). Cytogenetic location: 1p21.2.
Variant type: single nucleotide variant.
Coding change: c.2950G>A on transcript NM_000642.3 (MANE Select); coding-DNA position 2950, G replaced by A.
Protein change: p.Val984Ile; replaces valine 984 with isoleucine.
Molecular consequence: missense variant.
Genome position (GRCh38, 1-based): chr1:99,891,606, G>A. VCF-style: chr1-99891606-G-A. GRCh37 (hg19) VCF-style: chr1-100357162-G-A.
Other names: c.2950G>A, p.Val984Ile (NM_000028.3, NM_000643.3, NM_000644.3 and 1 more transcripts); c.2902G>A, p.Val968Ile (NM_000646.3); c.2929G>A, p.Val977Ile (NM_001425326.1); c.2749G>A, p.Val917Ile (NM_001425327.1); c.2746G>A, p.Val916Ile (NM_001425328.1); c.2611G>A, p.Val871Ile (NM_001425329.1); c.2572G>A, p.Val858Ile (NM_001425332.1); short protein forms V984I, V968I, V858I, V871I, V916I, V917I, V977I.
Identifiers: ClinVar variation 581137 (VCV000581137.10), dbSNP rs1160721945, ClinGen allele CA341325510.
Genomic context (GRCh38, chr1:99,891,606, plus strand): 5'-TAAAAACACACCTAGTCTGTACACATACCAAATTAACTTTCAAATTTATTTTAATTACAG[G>A]TTGGTAAATGGTTGCAGGCTATGTTCTTCTACCTGAAGCAGATCCCACGTTACCTTATCC-3'
Protein context (NP_000633.2, residues 974-994): LISRSGTIAE[Val984Ile]GKWLQAMFFY

ClinVar aggregate classification (germline): Uncertain significance. Review status: criteria provided, multiple submitters, no conflicts (2 of 4 stars). 3 submissions from 3 submitters: Uncertain significance (2). 1 of the submissions does not count toward it. Last evaluated 2025-01-26.

Conditions:
Glycogen storage disease type III (GSD3). Also called: Cori disease; FORBES DISEASE. Identifiers: Orphanet 366, MedGen C0017922, MONDO:0009291, OMIM 232400.
Inborn genetic diseases. Identifiers: MedGen C0950123, MeSH D030342.

Allele frequency attached by ClinVar (database versions not stated): gnomAD exomes below 0.00001 and 0.00001; TOPMed below 0.00001.
gnomAD v4.1: 2 of 1,613,402 alleles (0.00012%); highest among the groups gnomAD compares: Admixed American, 0.0033%; no homozygotes.

Submissions (3):

Ambry Genetics
Classification: Uncertain significance for Inborn genetic diseases. Last evaluated: 2025-01-26. Review status: criteria provided, single submitter. Criteria: Ambry Variant Classification Scheme 2023. Collection method: clinical testing. Allele origin: germline.

Labcorp Genetics (formerly Invitae), Labcorp
Classification: Uncertain significance for Glycogen storage disease type III. Last evaluated: 2022-07-25. Review status: criteria provided, single submitter. Criteria: Invitae Variant Classification Sherloc (09022015). Collection method: clinical testing. Allele origin: germline.
Comment: This sequence change replaces valine, which is neutral and non-polar, with isoleucine, which is neutral and non-polar, at codon 984 of the AGL protein (p.Val984Ile). This variant is present in population databases (no rsID available, gnomAD 0.006%). This variant has not been reported in the literature in individuals affected with AGL-related conditions. ClinVar contains an entry for this variant (Variation ID: 581137). Algorithms developed to predict the effect of missense changes on protein structure and function (SIFT, PolyPhen-2, Align-GVGD) all suggest that this variant is likely to be tolerated. In summary, the available evidence is currently insufficient to determine the role of this variant in disease. Therefore, it has been classified as a Variant of Uncertain Significance.

Natera, Inc.
Classification: Uncertain significance for Glycogen storage disease type III. Last evaluated: 2020-09-22. Review status: no assertion criteria provided. Collection method: clinical testing. Allele origin: germline. Not counted in ClinVar's aggregate classification.